The following is an entry in ClinVar:

NM_001267550.2(TTN):c.84160G>C (p.Asp28054His)

Genes: TTN (titin; minus strand), TTN-AS1 (TTN antisense RNA 1; plus strand). Cytogenetic location: 2q31.2.
Variant type: single nucleotide variant.
Coding change: c.84160G>C on transcript NM_001267550.2 (MANE Select); coding-DNA position 84160, G replaced by C.
Protein change: p.Asp28054His; replaces aspartic acid 28054 with histidine.
Molecular consequence: missense variant.
Genome position (GRCh38, 1-based): chr2:178,561,972, C>G on the plus strand (G>C on the coding strand, the complement: TTN is on the minus strand). VCF-style: chr2-178561972-C-G. GRCh37 (hg19) VCF-style: chr2-179426699-C-G.
Other names: c.79237G>C, p.Asp26413His (NM_001256850.1); c.56965G>C, p.Asp18989His (NM_003319.4); c.76456G>C, p.Asp25486His (NM_133378.4); c.57340G>C, p.Asp19114His (NM_133432.3); c.57541G>C, p.Asp19181His (NM_133437.4); short protein forms D25486H, D28054H, D26413H, D18989H, D19114H, D19181H.
Identifiers: ClinVar variation 1749107 (VCV001749107.5), dbSNP rs780958039, ClinGen allele CA1988818.

ClinVar aggregate classification (germline): Uncertain significance. Review status: criteria provided, multiple submitters, no conflicts (2 of 4 stars). 2 submissions from 2 submitters: Uncertain significance (2). Last evaluated 2024-10-31.

Conditions:
Cardiovascular phenotype. Identifiers: MedGen CN230736.

Allele frequency attached by ClinVar (database versions not stated): TOPMed 0.00001; ExAC 0.00001; gnomAD 0.00001.
gnomAD v4.1: 16 of 1,613,164 alleles (0.00099%); highest among the groups gnomAD compares: Admixed American, 0.01%; no homozygotes.

Submissions (2):

Revvity Omics, Revvity
Classification: Uncertain significance. Last evaluated: 2024-10-31. Review status: criteria provided, single submitter. Criteria: ACMG Guidelines, 2015. Collection method: clinical testing. Allele origin: germline.

Ambry Genetics
Classification: Uncertain significance for Cardiovascular phenotype. Last evaluated: 2019-07-24. Review status: criteria provided, single submitter. Criteria: Ambry Variant Classification Scheme 2023. Collection method: clinical testing. Allele origin: germline.
Comment: The p.D18989H variant (also known as c.56965G>C), located in coding exon 153 of the TTN gene, results from a G to C substitution at nucleotide position 56965. The aspartic acid at codon 18989 is replaced by histidine, an amino acid with similar properties. This amino acid position is highly conserved in available vertebrate species. In addition, the in silico prediction for this alteration is inconclusive. Since supporting evidence is limited at this time, the clinical significance of this alteration remains unclear.